The following is an entry in ClinVar:

NM_001037.5(SCN1B):c.590C>T (p.Ala197Val)

Gene: SCN1B (sodium voltage-gated channel beta subunit 1; plus strand). Cytogenetic location: 19q13.11.
Variant type: single nucleotide variant.
Coding change: c.590C>T on transcript NM_001037.5 (MANE Select); coding-DNA position 590, C replaced by T.
Protein change: p.Ala197Val; replaces alanine 197 with valine.
Molecular consequence: missense variant.
Genome position (GRCh38, 1-based): chr19:35,039,258, C>T. VCF-style: chr19-35039258-C-T. GRCh37 (hg19) VCF-style: chr19-35530162-C-T.
Other names: p.A197V:GCC>GTC; c.491C>T, p.Ala164Val (NM_001321605.2); short protein forms A197V, A164V.
Identifiers: ClinVar variation 190874 (VCV000190874.40), dbSNP rs554201948, ClinGen allele CA302180.

ClinVar aggregate classification (germline): Conflicting classifications of pathogenicity. Review status: criteria provided, conflicting classifications (1 of 4 stars). 10 submissions from 10 submitters: Uncertain significance (7); Likely benign (1). 2 of the submissions do not count toward it. Last evaluated 2026-01-08.

Conditions:
SCN1B-related disorder. Also called: SCN1B-related condition; SCN1B-Related Disorders.
Developmental and epileptic encephalopathy, 52 (DEE52). Also called: Epileptic encephalopathy, early infantile, 52. Identifiers: MedGen C4479236, MONDO:0033361, OMIM 617350.
Generalized epilepsy with febrile seizures plus, type 1 (GEFSP1). Also called: GEFS+, TYPE 1. Identifiers: Orphanet 36387, MedGen C1858672, MONDO:0011416, OMIM 604233.
Brugada syndrome 5 (BRGDA5). Identifiers: Orphanet 130, Orphanet 871, MedGen C2748541, MONDO:0013015, OMIM 612838.
Atrial fibrillation, familial, 13 (ATFB13). Identifiers: MedGen C3809311, MONDO:0014155, OMIM 615377.
Cardiovascular phenotype. Identifiers: MedGen CN230736.

Allele frequency attached by ClinVar (database versions not stated): TOPMed 0.00002; gnomAD 0.00003 and 0.00002; 1000 Genomes Project 0.00020; gnomAD exomes 0.00002; ExAC 0.00001; 1000 Genomes Project 30x 0.00031.

Submissions (10):

GeneDx
Classification: Uncertain significance. Last evaluated: 2026-01-08. Review status: criteria provided, single submitter. Criteria: GeneDx Variant Classification Process June 2021. Collection method: clinical testing. Allele origin: germline. Affected: yes.
Comment: Not observed at significant frequency in large population cohorts (gnomAD); In silico analysis suggests that this missense variant does not alter protein structure/function; In silico analysis suggests this variant may impact gene splicing. In the absence of RNA/functional studies, the actual effect of this sequence change is unknown.; This variant is associated with the following publications: (PMID: 28341588, 34038903, 34572065, 24324597, 34628405, 32192759, 29758173, 31440721, Uzair2024[preprint])

Labcorp Genetics (formerly Invitae), Labcorp
Classification: Uncertain significance for Brugada syndrome 5. Last evaluated: 2025-11-24. Review status: criteria provided, single submitter. Criteria: Invitae Variant Classification Sherloc (09022015). Collection method: clinical testing. Allele origin: germline.
Comment: The SCN1B gene has multiple clinically relevant transcripts. This variant occurs in alternate transcript NM_001037.5, and corresponds to NM_199037.3:c.*5160C>T in the primary transcript. This sequence change replaces alanine, which is neutral and non-polar, with valine, which is neutral and non-polar, at codon 197 of the SCN1B protein (p.Ala197Val). This variant is present in population databases (rs554201948, gnomAD 0.006%). This missense change has been observed in individual(s) with Brugada syndrome (PMID: 29758173, 32192759). Algorithms developed to predict the effect of variants on gene product structure and function are not available or were not evaluated for this variant. Experimental studies have shown that this missense change affects SCN1B function (PMID: 32192759). In summary, the available evidence is currently insufficient to determine the role of this variant in disease. Therefore, it has been classified as a Variant of Uncertain Significance.

Ambry Genetics
Classification: Uncertain significance for Cardiovascular phenotype. Last evaluated: 2025-03-28. Review status: criteria provided, single submitter. Criteria: Ambry Variant Classification Scheme 2023. Collection method: clinical testing. Allele origin: germline.
Comment: The p.A197V variant (also known as c.590C>T), located in coding exon 4 of the SCN1B gene, results from a C to T substitution at nucleotide position 590. The alanine at codon 197 is replaced by valine, an amino acid with similar properties. However, this change occurs in the last base pair of coding exon 4, which makes it likely to have some effect on normal mRNA splicing. This variant was reported in individual(s) with features consistent with epilepsy/seizures or Brugada syndrome (Zhu Y et al. J Biomed Res, 2021 Jul;35:395-407; Wang L et al. Arch Med Res, 2020 Apr;51:245-253; Truty R et al. Epilepsia Open, 2019 Sep;4:397-408; Ambry internal data). In assays testing SCN1B function, this variant showed a functionally abnormal result (Zhu Y et al. J Biomed Res, 2021 Jul;35:395-407; Wang L et al. Arch Med Res, 2020 Apr;51:245-253). This nucleotide position is highly conserved in available vertebrate species. This amino acid position is highly conserved in available vertebrate species. In silico splice site analysis predicts that this alteration may result in the creation or strengthening of a novel splice donor site. In addition, as a missense substitution this is predicted to be inconclusive by in silico analysis. Since supporting evidence is limited at this time, the clinical significance of this alteration remains unclear.

3billion
Classification: Likely benign for Developmental and epileptic encephalopathy, 52. Last evaluated: 2024-09-20. Review status: criteria provided, single submitter. Criteria: ACMG Guidelines, 2015. Collection method: clinical testing. Allele origin: germline. Affected: no.
Comment: The homozygous variant was found in patients diagnosed with another variant in a different gene, with no symptoms related to the gene containing the homozygous variant.

Blueprint Genetics
Classification: Uncertain significance. Last evaluated: 2024-05-02. Review status: criteria provided, single submitter. Criteria: ACMG Guidelines, 2015. Collection method: clinical testing. Allele origin: germline.

CeGaT Center for Human Genetics Tuebingen
Classification: Uncertain significance. Last evaluated: 2023-06-01. Review status: criteria provided, single submitter. Criteria: CeGaT Center For Human Genetics Tuebingen Variant Classification Criteria Version 2. Collection method: clinical testing. Allele origin: germline. Affected: yes. Observed: 1 variant allele.
Comment: SCN1B: PM5, PP3

PreventionGenetics, part of Exact Sciences
Classification: Uncertain significance for SCN1B-related condition. Last evaluated: 2022-09-15. Review status: criteria provided, single submitter. Criteria: ACMG Guidelines, 2015. Collection method: clinical testing. Allele origin: germline.
Comment: The SCN1B c.590C>T variant is predicted to result in the amino acid substitution p.Ala197Val. This variant was reported in two individuals with Brugada syndrome or cardiac arrest (Gray et al. 2018. PubMed ID: 29758173; Wang et al. 2020. PubMed ID: 32192759; Zhu et al. 2021. PubMed ID: 34628405). Functional studies suggested that this variant could impact normal protein function (Wang et al. 2020. PubMed ID: 32192759; Zhu et al. 2021. PubMed ID: 34628405). This variant is reported in 0.0062% of alleles in individuals of African descent in gnomAD and is interpreted as uncertain significance. A different nucleotide substitution affecting the same amino acid (p.Ala197Asp) has been reported in an individual with Brugada syndrome (Ricci et al. 2014. PubMed ID: 25253298). At this time, the clinical significance of the c.590C>T (p.Ala197Val) variant is uncertain due to the absence of conclusive functional and genetic evidence.

Fulgent Genetics
Classification: Uncertain significance for Generalized epilepsy with febrile seizures plus, type 1; Brugada syndrome 5; Atrial fibrillation, familial, 13; Developmental and epileptic encephalopathy, 52. Last evaluated: 2021-08-23. Review status: criteria provided, single submitter. Criteria: ACMG Guidelines, 2015. Collection method: clinical testing. Allele origin: unknown.

Clinical Genetics DNA and cytogenetics Diagnostics Lab, Erasmus MC, Erasmus Medical Center
Classification: Uncertain significance. Review status: no assertion criteria provided. Collection method: clinical testing. Allele origin: germline. Affected: yes. Study: VKGL Data-share Consensus. Not counted in ClinVar's aggregate classification.

Joint Genome Diagnostic Labs from Nijmegen and Maastricht, Radboudumc and MUMC+
Classification: Uncertain significance. Review status: no assertion criteria provided. Collection method: clinical testing. Allele origin: germline. Affected: yes. Study: VKGL Data-share Consensus. Not counted in ClinVar's aggregate classification.

Literature cited by the submitters: PubMed 29758173 (cited by Labcorp Genetics (formerly Invitae), Labcorp); PubMed 32192759 (cited by Labcorp Genetics (formerly Invitae), Labcorp and Ambry Genetics); PubMed 31440721 (cited by Ambry Genetics); PubMed 34628405 (cited by Ambry Genetics).